The following is an entry in ClinVar:

ClinVar aggregate classification (germline): Pathogenic/Likely pathogenic. Review status: criteria provided, multiple submitters, no conflicts (2 of 4 stars). 3 submissions from 3 submitters: Pathogenic (2); Likely pathogenic (1). Last evaluated 2022-08-16.

Conditions:
DSG1-related disorders.

Allele frequency attached by ClinVar (database versions not stated): gnomAD exomes below 0.00001.
gnomAD v4.1: 1 of 1,613,502 alleles (0.000062%); no homozygotes.

Submissions (3):

Labcorp Genetics (formerly Invitae), Labcorp
Classification: Pathogenic. Last evaluated: 2022-08-16. Review status: criteria provided, single submitter. Criteria: Invitae Variant Classification Sherloc (09022015). Collection method: clinical testing. Allele origin: germline.
Comment: This variant is not present in population databases (gnomAD no frequency). For these reasons, this variant has been classified as Pathogenic. ClinVar contains an entry for this variant (Variation ID: 872391). This variant has not been reported in the literature in individuals affected with DSG1-related conditions. This sequence change creates a premature translational stop signal (p.Gln81*) in the DSG1 gene. It is expected to result in an absent or disrupted protein product. Loss-of-function variants in DSG1 are known to be pathogenic (PMID: 19018793, 23974871, 27534273).

Blueprint Genetics
Classification: Likely pathogenic for DSG1-related disorders. Last evaluated: 2022-05-27. Review status: criteria provided, single submitter. Criteria: ACMG Guidelines, 2015. Collection method: clinical testing. Allele origin: germline. Affected: yes. Observed: 1 variant allele.

CeGaT Center for Human Genetics Tuebingen
Classification: Pathogenic. Last evaluated: 2019-01-01. Review status: criteria provided, single submitter. Criteria: CeGaT Center For Human Genetics Tuebingen Variant Classification Criteria Version 2. Collection method: clinical testing. Allele origin: germline. Affected: yes. Observed: 1 variant allele.

Literature cited by the submitters: PubMed 19018793 (cited by Labcorp Genetics (formerly Invitae), Labcorp); PubMed 23974871 (cited by Labcorp Genetics (formerly Invitae), Labcorp); PubMed 27534273 (cited by Labcorp Genetics (formerly Invitae), Labcorp).

NM_001942.4(DSG1):c.241C>T (p.Gln81Ter)

Gene: DSG1 (desmoglein 1; plus strand). Cytogenetic location: 18q12.1.
Variant type: single nucleotide variant.
Coding change: c.241C>T on transcript NM_001942.4 (MANE Select); coding-DNA position 241, C replaced by T.
Protein change: p.Gln81Ter; replaces glutamine 81 with a stop codon.
Molecular consequence: nonsense.
Genome position (GRCh38, 1-based): chr18:31,328,213, C>T. VCF-style: chr18-31328213-C-T. GRCh37 (hg19) VCF-style: chr18-28908176-C-T.
Other names: short protein forms Q81*.
Identifiers: ClinVar variation 872391 (VCV000872391.47), dbSNP rs1598699465, ClinGen allele CA402128063.
Genomic context (GRCh38, chr18:31,328,213, plus strand): 5'-CTCCCTCTAATATTTTTACTTGTGTTCCTTCTGCAGATTCACTCAGATTGTGCTGCAAAC[C>T]AGCAAGTTACATACCGCATCTCTGGAGTAGGAATTGATCAGCCACCATATGGGATCTTTG-3'